The following is an entry in ClinVar:

ClinVar aggregate classification (germline): Uncertain significance (1 of 4 stars; one submission).

Conditions:
Cardiovascular phenotype. Identifiers: MedGen CN230736.

Submission:

Ambry Genetics
Classification: Uncertain significance for Cardiovascular phenotype. Last evaluated: 2021-06-23. Review status: criteria provided, single submitter. Criteria: Ambry Variant Classification Scheme 2023. Collection method: clinical testing. Allele origin: germline.
Comment: The p.G2012A variant (also known as c.6035G>C), located in coding exon 16 of the TNXB gene, results from a G to C substitution at nucleotide position 6035. The glycine at codon 2012 is replaced by alanine, an amino acid with similar properties. This amino acid position is conserved. In addition, this alteration is predicted to be tolerated by in silico analysis. Since supporting evidence is limited at this time, the clinical significance of this alteration remains unclear.

NM_001365276.2(TNXB):c.6035G>C (p.Gly2012Ala)

Gene: TNXB (tenascin XB; minus strand). Cytogenetic location: 6p21.33.
Variant type: single nucleotide variant.
Coding change: c.6035G>C on transcript NM_001365276.2 (MANE Select); coding-DNA position 6035, G replaced by C.
Protein change: p.Gly2012Ala; replaces glycine 2012 with alanine.
Molecular consequence: missense variant.
Genome position (GRCh38, 1-based): chr6:32,068,575, C>G on the plus strand (G>C on the coding strand, the complement: TNXB is on the minus strand). VCF-style: chr6-32068575-C-G. GRCh37 (hg19) VCF-style: chr6-32036352-C-G.
Other names: c.6035G>C, p.Gly2012Ala (NM_019105.8); short protein forms G2012A.
Identifiers: ClinVar variation 1751198 (VCV001751198.2), dbSNP rs1389080985, ClinGen allele CA363404180.